The following is an entry in ClinVar:

ClinVar aggregate classification (germline): Pathogenic (1 of 4 stars; one submission).

Allele frequency attached by ClinVar (database versions not stated): gnomAD exomes below 0.00001; TOPMed below 0.00001.
gnomAD v4.1: 2 of 1,611,520 alleles (0.00012%); highest among the groups gnomAD compares: Non-Finnish European, 0.00017%; no homozygotes.

Submission:

GeneDx
Classification: Pathogenic. Last evaluated: 2025-06-23. Review status: criteria provided, single submitter. Criteria: GeneDx Variant Classification Process June 2021. Collection method: clinical testing. Allele origin: germline.
Comment: De novo variant with confirmed parentage in a patient from a cohort of individuals with developmental disorders, however, detailed clinical information was not provided (PMID: 33057194); Nonsense variant predicted to result in protein truncation or nonsense mediated decay in a gene for which loss of function is a known mechanism of disease; Not observed at significant frequency in large population cohorts (gnomAD); This variant is associated with the following publications: (PMID: 35982159, 33057194)

NM_001393769.1(MED12L):c.3385C>T (p.Arg1129Ter)

Genes: MED12L (mediator complex subunit 12L; plus strand), P2RY12 (purinergic receptor P2Y12; minus strand). Cytogenetic location: 3q25.1.
Variant type: single nucleotide variant.
Coding change: c.3385C>T on transcript NM_001393769.1 (MANE Select); coding-DNA position 3385, C replaced by T.
Protein change: p.Arg1129Ter; replaces arginine 1129 with a stop codon.
Molecular consequence: nonsense. On other transcripts: intron variant (1).
Genome position (GRCh38, 1-based): chr3:151,367,703, C>T. VCF-style: chr3-151367703-C-T. GRCh37 (hg19) VCF-style: chr3-151085491-C-T.
Other names: c.3280C>T, p.Arg1094Ter (NM_053002.6); c.-180+16989G>A (NM_022788.5); short protein forms R1094*, R1129*.
Identifiers: ClinVar variation 2576787 (VCV002576787.2), dbSNP rs1755452892, ClinGen allele CA354970774.